The following is an entry in ClinVar:

NM_002354.3(EPCAM):c.766G>T (p.Ala256Ser)

Gene: EPCAM (epithelial cell adhesion molecule; plus strand). Cytogenetic location: 2p21.
Variant type: single nucleotide variant.
Coding change: c.766G>T on transcript NM_002354.3 (MANE Select); coding-DNA position 766, G replaced by T.
Protein change: p.Ala256Ser; replaces alanine 256 with serine.
Molecular consequence: missense variant.
Genome position (GRCh38, 1-based): chr2:47,379,877, G>T. VCF-style: chr2-47379877-G-T. GRCh37 (hg19) VCF-style: chr2-47607016-G-T.
Other names: short protein forms A256S.
Identifiers: ClinVar variation 219439 (VCV000219439.10), dbSNP rs864622089, ClinGen allele CA350554.

ClinVar aggregate classification (germline): Uncertain significance. Review status: criteria provided, multiple submitters, no conflicts (2 of 4 stars). 2 submissions from 2 submitters: Uncertain significance (2). Last evaluated 2024-09-12.

Conditions:
Hereditary cancer-predisposing syndrome. Also called: Hereditary neoplastic syndrome; Tumor predisposition; Hereditary Cancer Syndrome; Neoplastic Syndromes, Hereditary. Identifiers: Orphanet 140162, MedGen C0027672, MeSH D009386, MONDO:0015356.

Allele frequency attached by ClinVar (database versions not stated): gnomAD exomes 0.00001.
gnomAD v4.1: 26 of 1,614,178 alleles (0.0016%); highest among the groups gnomAD compares: Non-Finnish European, 0.0021%; no homozygotes.

Submissions (2):

Ambry Genetics
Classification: Uncertain significance for Hereditary cancer-predisposing syndrome. Last evaluated: 2024-09-12. Review status: criteria provided, single submitter. Criteria: Ambry Variant Classification Scheme 2023. Collection method: clinical testing. Allele origin: germline.
Comment: The p.A256S variant (also known as c.766G>T), located in coding exon 7 of the EPCAM gene, results from a G to T substitution at nucleotide position 766. The alanine at codon 256 is replaced by serine, an amino acid with similar properties. This amino acid position is conserved. In addition, this alteration is predicted to be tolerated by in silico analysis. Since supporting evidence is limited at this time, the clinical significance of this alteration remains unclear.

Labcorp Genetics (formerly Invitae), Labcorp
Classification: Uncertain significance. Last evaluated: 2015-07-06. Review status: criteria provided, single submitter. Criteria: Invitae Variant Classification Sherloc (09022015). Collection method: clinical testing. Allele origin: germline.
Comment: This sequence change replaces alanine with serine at codon 256 of the EPCAM protein (p.Ala256Ser). The alanine residue is moderately conserved and there is a moderate physicochemical difference between alanine and serine. This variant has not been published in the literature and is not present in population databases. The serine amino acid residue is found in multiple mammalian species, suggesting that this missense change does not adversely affect protein function. In addition, algorithms developed to predict the effect of missense changes on protein structure and function (SIFT, PolyPhen-2, Align-GVGD) all suggest that this variant is likely to be tolerated, but these predictions have not been confirmed by published functional studies. In summary, this is a novel missense change that is not predicted to affect protein function or cause disease. However, the evidence is insufficient at this time to prove that conclusively. It has been classified as a Variant of Uncertain Significance.